The following is an entry in ClinVar:

NM_018089.3(ANKZF1):c.1733A>C (p.Lys578Thr)

Gene: ANKZF1 (ankyrin repeat and zinc finger peptidyl tRNA hydrolase 1; plus strand). Cytogenetic location: 2q35.
Variant type: single nucleotide variant.
Coding change: c.1733A>C on transcript NM_018089.3 (MANE Select); coding-DNA position 1733, A replaced by C.
Protein change: p.Lys578Thr; replaces lysine 578 with threonine.
Molecular consequence: missense variant.
Genome position (GRCh38, 1-based): chr2:219,235,515, A>C. VCF-style: chr2-219235515-A-C. GRCh37 (hg19) VCF-style: chr2-220100237-A-C.
Other names: c.1733A>C, p.Lys578Thr (NM_001042410.2); c.1103A>C, p.Lys368Thr (NM_001282792.2); short protein forms K368T, K578T.
Identifiers: ClinVar variation 2845138 (VCV002845138.3), dbSNP rs2544931448, ClinGen allele CA350684058.

ClinVar aggregate classification (germline): Uncertain significance (1 of 4 stars; one submission).

Submission:

Labcorp Genetics (formerly Invitae), Labcorp
Classification: Uncertain significance. Last evaluated: 2024-01-25. Review status: criteria provided, single submitter. Criteria: Invitae Variant Classification Sherloc (09022015). Collection method: clinical testing. Allele origin: germline.
Comment: This sequence change replaces lysine, which is basic and polar, with threonine, which is neutral and polar, at codon 578 of the ANKZF1 protein (p.Lys578Thr). This variant is not present in population databases (gnomAD no frequency). This variant has not been reported in the literature in individuals affected with ANKZF1-related conditions. An algorithm developed to predict the effect of missense changes on protein structure and function (PolyPhen-2) suggests that this variant is likely to be disruptive. In summary, the available evidence is currently insufficient to determine the role of this variant in disease. Therefore, it has been classified as a Variant of Uncertain Significance.